The following is an entry in ClinVar:

ClinVar aggregate classification (germline): Likely benign (1 of 4 stars; one submission).

Allele frequency attached by ClinVar (database versions not stated): 1000 Genomes Project 0.00160; 1000 Genomes Project 30x 0.00172; TOPMed 0.00225; ESP Exome Variant Server 0.00247; gnomAD 0.00324; ExAC 0.00362; gnomAD exomes 0.00366.

Submission:

CeGaT Center for Human Genetics Tuebingen
Classification: Likely benign. Last evaluated: 2023-02-01. Review status: criteria provided, single submitter. Criteria: CeGaT Center For Human Genetics Tuebingen Variant Classification Criteria Version 2. Collection method: clinical testing. Allele origin: germline. Affected: yes. Observed: 1 variant allele.
Comment: KERA: BP4, BS2

NM_007035.4(KERA):c.-2T>C

Gene: KERA (keratocan; minus strand). Cytogenetic location: 12q21.33.
Variant type: single nucleotide variant.
Coding change: c.-2T>C on transcript NM_007035.4 (MANE Select); 2 bases upstream of the start codon, T replaced by C.
Molecular consequence: 5 prime UTR variant.
Genome position (GRCh38, 1-based): chr12:91,056,283, A>G on the plus strand (T>C on the coding strand, the complement: KERA is on the minus strand). VCF-style: chr12-91056283-A-G. GRCh37 (hg19) VCF-style: chr12-91450060-A-G.
Identifiers: ClinVar variation 2643216 (VCV002643216.24), dbSNP rs141931395, ClinGen allele CA6716664.
Genomic context (GRCh38, chr12:91,056,283, plus strand): 5'-GACCACACAGTGTCTGTTATGAATAACACCCACATGATGAAACAGATTGTGCCTGCCATT[A>G]TAGCACCTACAGAAAAAGGAACACAACTGTTAGATATTTGAAGATCTTGACCTTTAGATA-3'